The following is an entry in ClinVar:

ClinVar aggregate classification (germline): Conflicting classifications of pathogenicity. Review status: criteria provided, conflicting classifications (1 of 4 stars). 2 submissions from 2 submitters: Uncertain significance (1); Likely benign (1). Last evaluated 2026-07-06.

Conditions:
Gorlin syndrome. Also called: Nevoid Basal Cell Carcinoma Syndrome; Basal cell nevus syndrome. Identifiers: Orphanet 377, MedGen C0004779, MONDO:0007187.
Hereditary cancer-predisposing syndrome. Also called: Hereditary neoplastic syndrome; Neoplastic Syndromes, Hereditary; Tumor predisposition; Hereditary Cancer Syndrome. Identifiers: Orphanet 140162, MedGen C0027672, MeSH D009386, MONDO:0015356.

Allele frequency attached by ClinVar (database versions not stated): gnomAD 0.00001; gnomAD exomes below 0.00001.

Submissions (2):

Ambry Genetics
Classification: Uncertain significance for Hereditary cancer-predisposing syndrome. Last evaluated: 2026-07-06. Review status: criteria provided, single submitter. Criteria: Ambry Variant Classification Scheme 2023. Collection method: clinical testing. Allele origin: germline.
Comment: The p.A441V variant (also known as c.1322C>T), located in coding exon 11 of the PTCH1 gene, results from a C to T substitution at nucleotide position 1322. The alanine at codon 441 is replaced by valine, an amino acid with similar properties. This amino acid position is conserved. In addition, this alteration is predicted to be deleterious by in silico analysis. Based on the available evidence, the clinical significance of this variant remains unclear.

Labcorp Genetics (formerly Invitae), Labcorp
Classification: Likely benign for Gorlin syndrome. Last evaluated: 2022-06-15. Review status: criteria provided, single submitter. Criteria: Invitae Variant Classification Sherloc (09022015). Collection method: clinical testing. Allele origin: germline.

NM_000264.5(PTCH1):c.1520C>T (p.Ala507Val)

Gene: PTCH1 (patched 1; minus strand). Cytogenetic location: 9q22.32.
Variant type: single nucleotide variant.
Coding change: c.1520C>T on transcript NM_000264.5 (MANE Select); coding-DNA position 1520, C replaced by T.
Protein change: p.Ala507Val; replaces alanine 507 with valine.
Molecular consequence: missense variant. On other transcripts: non-coding transcript variant (1).
Genome position (GRCh38, 1-based): chr9:95,476,841, G>A on the plus strand (C>T on the coding strand, the complement: PTCH1 is on the minus strand). VCF-style: chr9-95476841-G-A. GRCh37 (hg19) VCF-style: chr9-98239123-G-A.
Other names: c.1322C>T, p.Ala441Val (NM_001083602.3); c.1517C>T, p.Ala506Val (NM_001083603.3); c.1067C>T, p.Ala356Val (NM_001083604.3, NM_001083605.3, NM_001083606.3 and 1 more transcripts); c.1364C>T, p.Ala455Val (NM_001354918.2); short protein forms A356V, A441V, A455V, A506V, A507V.
Identifiers: ClinVar variation 2006856 (VCV002006856.5), dbSNP rs1212879470, ClinGen allele CA374118320.
Genomic context (GRCh38, chr9:95,476,841, plus strand): 5'-TGTCCTGTTTCACTGAAGGCGTGGGCCAGAAGAAAAACATCATCCACACCAACACCAAGA[G>A]CGAGAAATGGCAAAACCTACAGCAAAAACAGAGGATGGTGGCATTAGACATGCGAGATGC-3'
Protein context (NP_000255.2, residues 497-517): AATTQVLPFL[Ala507Val]LGVGVDDVFL